The following is an entry in ClinVar:

ClinVar aggregate classification (germline): Likely pathogenic (1 of 4 stars; one submission).

Submission:

GeneDx
Classification: Likely pathogenic. Last evaluated: 2016-05-20. Review status: criteria provided, single submitter. Criteria: GeneDx Variant Classification (06012015). Collection method: clinical testing. Allele origin: germline. Affected: yes.
Comment: The c.4074delC likely pathogenic variant in the MYO7A gene has been reported previously in association with Usher syndrome type 2 in an individual who also harbored the C419F variant in the USH2A gene (Cremers et al., 2007). The c.4074delC variant causes a frameshift starting with codon Glutamic Acid 1359, changes this amino acid to an Arginine residue, and creates a premature Stop codon at position 40 of the new reading frame, denoted p.Glu1359ArgfsX40. This variant is predicted to cause loss of normal protein function either through protein truncation or nonsense-mediated mRNA decay. The variant was not observed in approximately 6400 individuals of European and African American ancestry in the NHLBI Exome Sequencing Project, indicating it is not a common benign variant in these populations. We interpret c.4074delC as a likely pathogenic variant.

NM_000260.4(MYO7A):c.4074del (p.Glu1359fs)

Gene: MYO7A (myosin VIIA; plus strand). Cytogenetic location: 11q13.5.
Variant type: Deletion.
Coding change: c.4074del on transcript NM_000260.4 (MANE Select); coding-DNA position 4074, one base deleted (C; older notation c.4074delC).
Protein change: p.Glu1359fs; shifts the reading frame from glutamic acid 1359.
Molecular consequence: frameshift variant.
Genome position (GRCh38, 1-based): chr11:77,192,200, C deleted; the last of 2 consecutive C bases (chr11:77,192,199-77,192,200); deleting either gives the same sequence. VCF-style (leftmost placement, unchanged base first): chr11-77192198-TC-T. GRCh37 (hg19) VCF-style: chr11-76903243-TC-T.
Other names: c.4074del, p.Glu1359fs (NM_001127180.2); c.4041del, p.Glu1348fs (NM_001369365.1); short protein forms E1359fs, E1348fs.
Identifiers: ClinVar variation 372749 (VCV000372749.1), dbSNP rs754104546, ClinGen allele CA6198308.